The following is an entry in ClinVar:

ClinVar aggregate classification (germline): Uncertain significance (1 of 4 stars; one submission).

Allele frequency attached by ClinVar (database versions not stated): ESP Exome Variant Server 0.00008.
gnomAD v4.1: 30 of 1,589,110 alleles (0.0019%); highest among the groups gnomAD compares: Non-Finnish European, 0.0023%; no homozygotes.

Submission:

Labcorp Genetics (formerly Invitae), Labcorp
Classification: Uncertain significance. Last evaluated: 2022-09-01. Review status: criteria provided, single submitter. Criteria: Invitae Variant Classification Sherloc (09022015). Collection method: clinical testing. Allele origin: germline.
Comment: This variant is present in population databases (rs149714368, gnomAD 0.003%). This variant has not been reported in the literature in individuals affected with NUP93-related conditions. This sequence change replaces glycine, which is neutral and non-polar, with aspartic acid, which is acidic and polar, at codon 315 of the NUP93 protein (p.Gly315Asp). ClinVar contains an entry for this variant (Variation ID: 1374683). Algorithms developed to predict the effect of missense changes on protein structure and function (SIFT, PolyPhen-2, Align-GVGD) all suggest that this variant is likely to be disruptive. In summary, the available evidence is currently insufficient to determine the role of this variant in disease. Therefore, it has been classified as a Variant of Uncertain Significance.

NM_014669.5(NUP93):c.944G>A (p.Gly315Asp)

Gene: NUP93 (nucleoporin 93; plus strand). Cytogenetic location: 16q13.
Variant type: single nucleotide variant.
Coding change: c.944G>A on transcript NM_014669.5 (MANE Select); coding-DNA position 944, G replaced by A.
Protein change: p.Gly315Asp; replaces glycine 315 with aspartic acid.
Molecular consequence: missense variant.
Genome position (GRCh38, 1-based): chr16:56,830,544, G>A. VCF-style: chr16-56830544-G-A. GRCh37 (hg19) VCF-style: chr16-56864456-G-A.
Other names: c.575G>A, p.Gly192Asp (NM_001242795.2, NM_001242796.2); short protein forms G315D, G192D.
Identifiers: ClinVar variation 1374683 (VCV001374683.6), dbSNP rs149714368, ClinGen allele CA8068285.